The following is an entry in ClinVar:

ClinVar aggregate classification (germline): Uncertain significance (1 of 4 stars; one submission).

Conditions:
Inborn genetic diseases. Identifiers: MedGen C0950123, MeSH D030342.

Submission:

Ambry Genetics
Classification: Uncertain significance for Inborn genetic diseases. Last evaluated: 2026-04-13. Review status: criteria provided, single submitter. Criteria: Ambry Variant Classification Scheme 2023. Collection method: clinical testing. Allele origin: germline.
Comment: The p.M16K variant (also known as c.47T>A), located in coding exon 1 of the PIK3CA gene, results from a T to A substitution at nucleotide position 47. The methionine at codon 16 is replaced by lysine, an amino acid with similar properties. This amino acid position is conserved. In addition, this alteration is predicted to be deleterious by in silico analysis. Based on the available evidence, the clinical significance of this variant remains unclear.

NM_006218.4(PIK3CA):c.47T>A (p.Met16Lys)

Gene: PIK3CA (phosphatidylinositol-4,5-bisphosphate 3-kinase catalytic subunit alpha; plus strand). Cytogenetic location: 3q26.32.
Variant type: single nucleotide variant.
Coding change: c.47T>A on transcript NM_006218.4 (MANE Select); coding-DNA position 47, T replaced by A.
Protein change: p.Met16Lys; replaces methionine 16 with lysine.
Molecular consequence: missense variant.
Genome position (GRCh38, 1-based): chr3:179,198,872, T>A. VCF-style: chr3-179198872-T-A. GRCh37 (hg19) VCF-style: chr3-178916660-T-A.
Other names: short protein forms M16K.
Identifiers: ClinVar variation 4861874 (VCV004861874.1).